The following is an entry in ClinVar:

ClinVar aggregate classification (germline): Uncertain significance. Review status: criteria provided, multiple submitters, no conflicts (2 of 4 stars). 3 submissions from 3 submitters: Uncertain significance (3). Last evaluated 2025-12-30.

Conditions:
Inborn genetic diseases. Identifiers: MedGen C0950123, MeSH D030342.

Allele frequency attached by ClinVar (database versions not stated): gnomAD 0.00001; ESP Exome Variant Server 0.00008.

Submissions (3):

Labcorp Genetics (formerly Invitae), Labcorp
Classification: Uncertain significance. Last evaluated: 2025-12-30. Review status: criteria provided, single submitter. Criteria: Invitae Variant Classification Sherloc (09022015). Collection method: clinical testing. Allele origin: germline.
Comment: This sequence change replaces arginine, which is basic and polar, with tryptophan, which is neutral and slightly polar, at codon 2549 of the DCHS1 protein (p.Arg2549Trp). This variant is present in population databases (rs372668967, gnomAD 0.01%). This variant has not been reported in the literature in individuals affected with DCHS1-related conditions. ClinVar contains an entry for this variant (Variation ID: 2440717). Invitae Evidence Modeling of protein sequence and biophysical properties (such as structural, functional, and spatial information, amino acid conservation, physicochemical variation, residue mobility, and thermodynamic stability) indicates that this missense variant is not expected to disrupt DCHS1 protein function with a negative predictive value of 95%. In summary, the available evidence is currently insufficient to determine the role of this variant in disease. Therefore, it has been classified as a Variant of Uncertain Significance.

Ambry Genetics
Classification: Uncertain significance for Inborn genetic diseases. Last evaluated: 2024-10-01. Review status: criteria provided, single submitter. Criteria: Ambry Variant Classification Scheme 2023. Collection method: clinical testing. Allele origin: germline.

Revvity Omics, Revvity
Classification: Uncertain significance. Last evaluated: 2019-01-22. Review status: criteria provided, single submitter. Criteria: ACMG Guidelines, 2015. Collection method: clinical testing. Allele origin: germline.

NM_003737.4(DCHS1):c.7645C>T (p.Arg2549Trp)

Gene: DCHS1 (dachsous cadherin-related 1; minus strand). Cytogenetic location: 11p15.4.
Variant type: single nucleotide variant.
Coding change: c.7645C>T on transcript NM_003737.4 (MANE Select); coding-DNA position 7645, C replaced by T.
Protein change: p.Arg2549Trp; replaces arginine 2549 with tryptophan.
Molecular consequence: missense variant.
Genome position (GRCh38, 1-based): chr11:6,624,031, G>A on the plus strand (C>T on the coding strand, the complement: DCHS1 is on the minus strand). VCF-style: chr11-6624031-G-A. GRCh37 (hg19) VCF-style: chr11-6645262-G-A.
Other names: short protein forms R2549W.
Identifiers: ClinVar variation 2440717 (VCV002440717.6), dbSNP rs372668967, ClinGen allele CA5859563.